The following is an entry in ClinVar:

NM_000530.8(MPZ):c.700G>T (p.Glu234Ter)

Gene: MPZ (myelin protein zero; minus strand). Cytogenetic location: 1q23.3.
Variant type: single nucleotide variant.
Coding change: c.700G>T on transcript NM_000530.8 (MANE Select); coding-DNA position 700, G replaced by T.
Protein change: p.Glu234Ter; replaces glutamic acid 234 with a stop codon.
Molecular consequence: nonsense.
Genome position (GRCh38, 1-based): chr1:161,305,923, C>A on the plus strand (G>T on the coding strand, the complement: MPZ is on the minus strand). VCF-style: chr1-161305923-C-A. GRCh37 (hg19) VCF-style: chr1-161275713-C-A.
Other names: c.700G>T, p.Glu234Ter (NM_001315491.2); short protein forms E234*.
Identifiers: ClinVar variation 839368 (VCV000839368.13), dbSNP rs1670224976, ClinGen allele CA343344128.

ClinVar aggregate classification (germline): Conflicting classifications of pathogenicity. Review status: criteria provided, conflicting classifications (1 of 4 stars). 2 submissions from 2 submitters: Pathogenic (1); Uncertain significance (1). Last evaluated 2023-07-14.

Conditions:
Charcot-Marie-Tooth disease, type I (CMT1). Also called: Charcot-Marie-Tooth disease type 1; Charcot-Marie-Tooth, Type 1. Identifiers: Orphanet 65753, MedGen C0751036, MONDO:0019011.

Submissions (2):

Labcorp Genetics (formerly Invitae), Labcorp
Classification: Pathogenic for Charcot-Marie-Tooth disease, type I. Last evaluated: 2023-07-14. Review status: criteria provided, single submitter. Criteria: Invitae Variant Classification Sherloc (09022015). Collection method: clinical testing. Allele origin: germline.
Comment: For these reasons, this variant has been classified as Pathogenic. This variant disrupts a region of the MPZ protein in which other variant(s) (p.Lys236del) have been determined to be pathogenic (PMID: 12207932, 15716547, 29687021, 31173589). This suggests that this is a clinically significant region of the protein, and that variants that disrupt it are likely to be disease-causing. ClinVar contains an entry for this variant (Variation ID: 839368). This variant has not been reported in the literature in individuals affected with MPZ-related conditions. This variant is not present in population databases (gnomAD no frequency). This sequence change creates a premature translational stop signal (p.Glu234*) in the MPZ gene. While this is not anticipated to result in nonsense mediated decay, it is expected to disrupt the last 15 amino acid(s) of the MPZ protein.

Greenwood Genetic Center Diagnostic Laboratories, Greenwood Genetic Center
Classification: Uncertain significance. Last evaluated: 2021-02-24. Review status: criteria provided, single submitter. Criteria: ACMG Guidelines, 2015. Collection method: clinical testing. Allele origin: germline. Affected: yes.
Comment: PM2

Literature cited by the submitters: PubMed 12207932 (cited by Labcorp Genetics (formerly Invitae), Labcorp); PubMed 15716547 (cited by Labcorp Genetics (formerly Invitae), Labcorp); PubMed 29687021 (cited by Labcorp Genetics (formerly Invitae), Labcorp); PubMed 31173589 (cited by Labcorp Genetics (formerly Invitae), Labcorp).